The following is an entry in ClinVar:

NM_000238.4(KCNH2):c.1327A>G (p.Thr443Ala)

Gene: KCNH2 (potassium voltage-gated channel subfamily H member 2; minus strand). Cytogenetic location: 7q36.1.
Variant type: single nucleotide variant.
Coding change: c.1327A>G on transcript NM_000238.4 (MANE Select); coding-DNA position 1327, A replaced by G.
Protein change: p.Thr443Ala; replaces threonine 443 with alanine.
Molecular consequence: missense variant. On other transcripts: non-coding transcript variant (2).
Genome position (GRCh38, 1-based): chr7:150,952,655, T>C on the plus strand (A>G on the coding strand, the complement: KCNH2 is on the minus strand). VCF-style: chr7-150952655-T-C. GRCh37 (hg19) VCF-style: chr7-150649743-T-C.
Other names: c.307A>G, p.Thr103Ala (NM_001204798.2, NM_172057.3); c.1039A>G, p.Thr347Ala (NM_001406753.1, NM_001406756.1); c.1150A>G, p.Thr384Ala (NM_001406755.1); c.1027A>G, p.Thr343Ala (NM_001406757.1); c.1327A>G, p.Thr443Ala (NM_172056.3); short protein forms T103A, T343A, T347A, T384A, T443A.
Identifiers: ClinVar variation 3363799 (VCV003363799.2).

ClinVar aggregate classification (germline): Uncertain significance. Review status: criteria provided, multiple submitters, no conflicts (2 of 4 stars). 2 submissions from 2 submitters: Uncertain significance (2). Last evaluated 2025-12-13.

Conditions:
Long QT syndrome (LQTS). Identifiers: MedGen C0023976, MeSH D008133, MONDO:0002442. Disease mechanism: loss of function. Inheritance: Various modes of inheritance.

Submissions (2):

Labcorp Genetics (formerly Invitae), Labcorp
Classification: Uncertain significance for Long QT syndrome. Last evaluated: 2025-12-13. Review status: criteria provided, single submitter. Criteria: Invitae Variant Classification Sherloc (09022015). Collection method: clinical testing. Allele origin: germline.
Comment: This sequence change replaces threonine, which is neutral and polar, with alanine, which is neutral and non-polar, at codon 443 of the KCNH2 protein (p.Thr443Ala). This variant is not present in population databases (gnomAD no frequency). This variant has not been reported in the literature in individuals affected with KCNH2-related conditions. ClinVar contains an entry for this variant (Variation ID: 3363799). An algorithm developed to predict the effect of missense changes on protein structure and function (PolyPhen-2) suggests that this variant is likely to be tolerated. In summary, the available evidence is currently insufficient to determine the role of this variant in disease. Therefore, it has been classified as a Variant of Uncertain Significance.

GeneDx
Classification: Uncertain significance. Last evaluated: 2023-11-08. Review status: criteria provided, single submitter. Criteria: GeneDx Variant Classification Process June 2021. Collection method: clinical testing. Allele origin: germline. Affected: yes.
Comment: Not observed at significant frequency in large population cohorts (gnomAD); In silico analysis supports that this missense variant does not alter protein structure/function; Has not been previously published as pathogenic or benign to our knowledge